The following is an entry in ClinVar:

NM_003722.5(TP63):c.20G>T (p.Arg7Leu)

Gene: TP63 (tumor protein p63; plus strand). Cytogenetic location: 3q28.
Variant type: single nucleotide variant.
Coding change: c.20G>T on transcript NM_003722.5 (MANE Select); coding-DNA position 20, G replaced by T.
Protein change: p.Arg7Leu; replaces arginine 7 with leucine.
Molecular consequence: missense variant. On other transcripts: intron variant (1).
Genome position (GRCh38, 1-based): chr3:189,631,535, G>T. VCF-style: chr3-189631535-G-T. GRCh37 (hg19) VCF-style: chr3-189349324-G-T.
Other names: c.20G>T, p.Arg7Leu (NM_001114978.2, NM_001114979.2, NM_001329144.2 and 1 more transcripts); c.56+34297G>T (NM_001329964.2); c.20G>T (NM_003722.4); short protein forms R7L.
Identifiers: ClinVar variation 1601412 (VCV001601412.11), dbSNP rs568702479, ClinGen allele CA2751993.
Genomic context (GRCh38, chr3:189,631,535, plus strand): 5'-AATTGTTCTCCGTTCGTTGATATCAAAGACAGTTGAAGGAAATGAATTTTGAAACTTCAC[G>T]GTGTGCCACCCTACAGTACTGCCCTGACCCTTACATCCAGCGGTGAGTTTGAATGTGACA-3'
Protein context (NP_003713.3, residues 1-17): MNFETS[Arg7Leu]CATLQYCPDP

ClinVar aggregate classification (germline): Benign/Likely benign. Review status: criteria provided, multiple submitters, no conflicts (2 of 4 stars). 4 submissions from 4 submitters: Benign (2); Likely benign (1). 1 of the submissions does not count toward it. Last evaluated 2024-10-24.

Conditions:
Ankyloblepharon-ectodermal defects-cleft lip/palate syndrome. Also called: Hay-Wells syndrome of ectodermal dysplasia; Ankyloblepharon-Ectodermal Defects-Cleft Lip/Palate Syndrome (AEC Syndrome); AEC SYNDROME; HAY-WELLS SYNDROME; Ankyloblepharon-ectodermal defects, cleft lip/palate. Identifiers: Orphanet 1071, MedGen C0406709, MONDO:0007124, OMIM 106260.
Rapp-Hodgkin syndrome (RHS). Also called: Isolated Cleft Lip/Cleft Palate (Orofacial Cleft 8); Rapp-Hodgkin ectodermal dysplasia syndrome; ECTODERMAL DYSPLASIA, ANHIDROTIC, WITH CLEFT LIP/PALATE. Identifiers: MedGen C1785148, MONDO:0007508, OMIM 129400.
Orofacial cleft 8. Also called: Cleft lip with or without cleft palate, nonsyndromic, 8. Identifiers: MedGen C1851878, MONDO:0029145, OMIM 618149.
ADULT syndrome. Also called: Acro-Dermo-Ungual-Lacrimal-Tooth Syndrome (ADULT Syndrome); Acro-dermato-ungual-lacrimal-tooth (adult) syndrome; ACRO-DERMATO-UNGUAL-LACRIMAL-TOOTH SYNDROME. Identifiers: Orphanet 978, MedGen C1863204, MONDO:0007072, OMIM 103285.
Ectrodactyly, ectodermal dysplasia, and cleft lip-palate syndrome 3. Also called: Ectrodactyly, Ectodermal Dysplasia, Clefting Syndrome; Ectrodactyly, Ectodermal Dysplasia, Clefting Syndrome Type 3 (EEC3); EEC SYNDROME 3; Ectrodactyly, Ectodermal Dysplasia, Cleft Lip/Palate Syndrome 3 (EEC3). Identifiers: Orphanet 1896, MedGen C1858562, MONDO:0011428, OMIM 604292.
Limb-mammary syndrome (LMS). Also called: Mammary hypoplasia, ectrodactyly, and other hand/foot anomalies. Identifiers: Orphanet 69085, MedGen C1863753, MONDO:0011334, OMIM 603543.
Split hand-foot malformation 4. Also called: Split-Hand/Foot Malformation Type 4 (SHFM4 syndrome); Split-Hand/Foot Malformation Type 4 (SHFM4). Identifiers: Orphanet 2440, MedGen C1854442, MONDO:0011535, OMIM 605289.
TP63-Related Spectrum Disorders.
TP63-related disorder. Also called: TP63-Related Disorders; TP63-related condition. Identifiers: MedGen CN380159.

Allele frequency attached by ClinVar (database versions not stated): 1000 Genomes Project 30x 0.00078; 1000 Genomes Project 0.00080.
gnomAD v4.1: 200 of 1,612,730 alleles (0.012%); highest among the groups gnomAD compares: South Asian, 0.19%; 3 homozygotes.

Submissions (4):

Blueprint Genetics
Classification: Benign. Last evaluated: 2024-10-24. Review status: criteria provided, single submitter. Criteria: ACMG Guidelines, 2015. Collection method: clinical testing. Allele origin: germline.

Labcorp Genetics (formerly Invitae), Labcorp
Classification: Benign. Last evaluated: 2024-08-14. Review status: criteria provided, single submitter. Criteria: Invitae Variant Classification Sherloc (09022015). Collection method: clinical testing. Allele origin: germline.

Fulgent Genetics
Classification: Likely benign for ADULT syndrome; Ankyloblepharon-ectodermal defects-cleft lip/palate syndrome; Rapp-Hodgkin syndrome; Limb-mammary syndrome; Ectrodactyly, ectodermal dysplasia, and cleft lip-palate syndrome 3; Split hand-foot malformation 4; Orofacial cleft 8. Last evaluated: 2021-12-02. Review status: criteria provided, single submitter. Criteria: ACMG Guidelines, 2015. Collection method: clinical testing. Allele origin: unknown.

PreventionGenetics, part of Exact Sciences
Classification: Likely benign for TP63-related condition. Last evaluated: 2022-01-06. Review status: no assertion criteria provided. Collection method: clinical testing. Allele origin: germline. Not counted in ClinVar's aggregate classification.
Comment: This variant is classified as likely benign based on ACMG/AMP sequence variant interpretation guidelines (Richards et al. 2015 PMID: 25741868, with internal and published modifications).